The following is an entry in ClinVar:

ClinVar aggregate classification (germline): Likely pathogenic (1 of 4 stars; one submission).

Conditions:
Retinoblastoma (RB1). Also called: RETINOBLASTOMA, SOMATIC. Identifiers: Orphanet 790, MedGen C0035335, MeSH D012175, MONDO:0008380, OMIM 180200, HP:0009919. Disease mechanism: loss of function. Inheritance: Both sporadic and heritable forms are tested..

Submissions (2):

Genetic Diagnostic Laboratory, University of Pennsylvania School of Medicine
Classification: Likely pathogenic for Retinoblastoma. Last evaluated: 2024-05-20. Review status: criteria provided, single submitter. Criteria: ACMG Guidelines, 2015. Collection method: clinical testing. Allele origin: germline. Affected: yes. Observed: 1 variant allele.
Comment: Case and Pedigree Information: BILATERAL CASES:1, UNILATERAL CASES:0, TOTAL CASES:1, PEDIGREES:1. ACMG Codes Applied:PM1, PM2, PM5, PP3

Dr. Peter K. Rogan Lab, Western University
No classification provided (evidence only). Condition: Gastric cancer. Review status: no classification provided. Collection method: in vitro. Allele origin: not applicable. Functional consequence: retained intron. Not counted in ClinVar's aggregate classification.

NM_000321.3(RB1):c.1331A>T (p.Gln444Leu)

Gene: RB1 (RB transcriptional corepressor 1; plus strand). Cytogenetic location: 13q14.2.
Variant type: single nucleotide variant.
Coding change: c.1331A>T on transcript NM_000321.3 (MANE Select); coding-DNA position 1331, A replaced by T.
Protein change: p.Gln444Leu; replaces glutamine 444 with leucine.
Molecular consequence: missense variant.
Genome position (GRCh38, 1-based): chr13:48,377,033, A>T. VCF-style: chr13-48377033-A-T. GRCh37 (hg19) VCF-style: chr13-48951169-A-T.
Other names: NC_000013.10:g.48951169A>T; c.1331A>T, p.Gln444Leu (NM_001407165.1, NM_001407166.1); short protein forms Q444L.
Identifiers: ClinVar variation 3236972 (VCV003236972.2), dbSNP rs2138136810.
Genomic context (GRCh38, chr13:48,377,033, plus strand): 5'-ACATCTTTAAAGAGAAATTTGCTAAAGCTGTGGGACAGGGTTGTGTCGAAATTGGATCAC[A>T]GGTAACTTGAATTCATTGTAATTCGTGGTACTATAGAGTAATAATATTAAAAGCAGCATC-3'
Protein context (NP_000312.2, residues 434-454): VGQGCVEIGS[Gln444Leu]RYKLGVRLYY